The following is an entry in ClinVar:

NM_000169.3(GLA):c.516T>G (p.Cys172Trp)

Genes: GLA (galactosidase alpha; minus strand), RPL36A-HNRNPH2 (RPL36A-HNRNPH2 readthrough; plus strand). Cytogenetic location: Xq22.1.
Variant type: single nucleotide variant.
Coding change: c.516T>G on transcript NM_000169.3 (MANE Select); coding-DNA position 516, T replaced by G.
Protein change: p.Cys172Trp; replaces cysteine 172 with tryptophan.
Molecular consequence: missense variant. On other transcripts: non-coding transcript variant (3), intron variant (2).
Genome position (GRCh38, 1-based): chrX:101,401,663, A>C on the plus strand (T>G on the coding strand, the complement: GLA is on the minus strand). VCF-style: chrX-101401663-A-C. GRCh37 (hg19) VCF-style: chrX-100656651-A-C.
Other names: NC_000023.10:g.100656651A>C; c.639T>G, p.Cys213Trp (NM_001406747.1, NM_001406749.1); c.516T>G, p.Cys172Trp (NM_001406748.1); c.300+6206A>C (NM_001199973.2); c.177+9841A>C (NM_001199974.2); short protein forms C172W, C213W.
Identifiers: ClinVar variation 4087408 (VCV004087408.3).

ClinVar aggregate classification (germline): Pathogenic (1 of 4 stars; one submission).

Conditions:
Fabry disease. Also called: ALPHA-GALACTOSIDASE A DEFICIENCY; ANDERSON-FABRY DISEASE; CERAMIDE TRIHEXOSIDASE DEFICIENCY; GLA DEFICIENCY; HEREDITARY DYSTOPIC LIPIDOSIS; Angiokeratoma corporis diffusum. Identifiers: Orphanet 324, MedGen C0002986, MONDO:0010526, OMIM 301500, HP:0001071. Disease mechanism: Fabry disease is due to inactivating mutations in the X-linked GLA gene resulting in deficiency of the enzyme Alpha Galactosidase-A., loss of function.

Submissions (2):

Genomenon, Inc
Classification: Pathogenic for Fabry disease. Last evaluated: 2026-09-08. Review status: criteria provided, single submitter. Criteria: Genomenon Sequence Variant Interpretation Standards - Updated. Collection method: curation. Allele origin: germline. Affected: yes.
Comment: GLA p.Cys172Trp (c.516T>G) is a missense variant that changes the amino acid at codon 172 from Cysteine to Tryptophan. This variant has been observed in at least one proband with clinical features consistent with Fabry disease (PMID:15713906). At least one functional study has demonstrated a substantial alteration in protein function relative to the wild-type (PMID:27657681). This variant is located in a mutational hotspot and/or important functional domain. It is absent or not present at a significant frequency in gnomAD. In silico models predict that this variant is possibly or probably damaging. In conclusion, we classify GLA p.Cys172Trp (c.516T>G) as a pathogenic variant.

Dr. Peter K. Rogan Lab, Western University
No classification provided (evidence only). Condition: Melanoma. Review status: no classification provided. Collection method: in vitro. Allele origin: not applicable. Functional consequence: cryptic splice site. Not counted in ClinVar's aggregate classification.

Literature cited by the submitters: PubMed 15713906 (cited by Genomenon, Inc); PubMed 27657681 (cited by Genomenon, Inc).